The following is an entry in ClinVar:

Conditions:
Long QT syndrome 5 (LQT5). Identifiers: Orphanet 101016, Orphanet 768, MedGen C1867904, MONDO:0013372, OMIM 613695.

Submission:

Roden Lab, Vanderbilt University Medical Center
No classification provided (evidence only). Condition: Long QT syndrome 5. Review status: no classification provided. Collection method: in vitro. Allele origin: not applicable. Functional consequence: Effect on ion channel function.
ClinVar note: "not provided" was previously submitted as the classification for the variant. However, the classification appeared to be based only on an observation of functional data so it was converted to no classification on 2025-07-30.

NM_000219.6(KCNE1):c.2T>A (p.Met1Lys)

Gene: KCNE1 (potassium voltage-gated channel subfamily E regulatory subunit 1; minus strand). Cytogenetic location: 21q22.12.
Variant type: single nucleotide variant.
Coding change: c.2T>A on transcript NM_000219.6 (MANE Select); coding-DNA position 2, T replaced by A.
Protein change: p.Met1Lys; changes the start codon (methionine 1).
Molecular consequence: missense variant, initiator codon variant.
Genome position (GRCh38, 1-based): chr21:34,449,633, A>T on the plus strand (T>A on the coding strand, the complement: KCNE1 is on the minus strand). VCF-style: chr21-34449633-A-T. GRCh37 (hg19) VCF-style: chr21-35821931-A-T.
Other names: c.2T>A, p.Met1Lys (NM_001127668.4, NM_001127669.4, NM_001127670.4 and 4 more transcripts); short protein forms M1K.
Identifiers: ClinVar variation 3374148 (VCV003374148.2).
Genomic context (GRCh38, chr21:34,449,633, plus strand): 5'-ACTGTCTCCTGCCACAGCTTGGTCAGAAAGGGCGTCACCGCTGTGGTGTTAGACAGGATC[A>T]TCCTGGGCATTAAGGTTCCACTGCTGCAGCTCAAACTTCCCAGGCACACCTCTTAAAGGA-3'
Protein context (NP_000210.2, residues 1-11): [Met1Lys]ILSNTTAVTP